The following is an entry in ClinVar:

ClinVar aggregate classification (germline): Uncertain significance (1 of 4 stars; one submission).

Submission:

Ambry Genetics
Classification: Uncertain significance. Last evaluated: 2024-09-06. Review status: criteria provided, single submitter. Criteria: Ambry Variant Classification Scheme 2023. Collection method: clinical testing. Allele origin: germline.
Comment: The p.V2211L variant (also known as c.6631G>C), located in coding exon 22 of the POLQ gene, results from a G to C substitution at nucleotide position 6631. The valine at codon 2211 is replaced by leucine, an amino acid with highly similar properties. This amino acid position is conserved. In addition, this alteration is predicted to be tolerated by in silico analysis. Since supporting evidence is limited at this time, the clinical significance of this alteration remains unclear.

NM_199420.4(POLQ):c.6631G>C (p.Val2211Leu)

Gene: POLQ (DNA polymerase theta; minus strand). Cytogenetic location: 3q13.33.
Variant type: single nucleotide variant.
Coding change: c.6631G>C on transcript NM_199420.4 (MANE Select); coding-DNA position 6631, G replaced by C.
Protein change: p.Val2211Leu; replaces valine 2211 with leucine.
Molecular consequence: missense variant.
Genome position (GRCh38, 1-based): chr3:121,472,077, C>G on the plus strand (G>C on the coding strand, the complement: POLQ is on the minus strand). VCF-style: chr3-121472077-C-G. GRCh37 (hg19) VCF-style: chr3-121190924-C-G.
Other names: short protein forms V2211L.
Identifiers: ClinVar variation 1754577 (VCV001754577.3), dbSNP rs201233627, ClinGen allele CA354085348.